The following is an entry in ClinVar:

ClinVar aggregate classification (germline): Benign/Likely benign. Review status: criteria provided, multiple submitters, no conflicts (2 of 4 stars). 7 submissions from 7 submitters: Benign (4); Likely benign (2). 1 of the submissions does not count toward it. Last evaluated 2026-01-31.

Conditions:
Hereditary acrodermatitis enteropathica (AEZ). Also called: Acrodermatitis enteropathica. Identifiers: Orphanet 37, MedGen C0221036, MONDO:0008713, OMIM 201100.

Allele frequency attached by ClinVar (database versions not stated): gnomAD exomes 0.00050 and 0.00118; ExAC 0.00164; ESP Exome Variant Server 0.00285; 1000 Genomes Project 0.00359; gnomAD 0.00383 and 0.00402; 1000 Genomes Project 30x 0.00406; TOPMed 0.00416.
gnomAD v4.1: 1,367 of 1,610,696 alleles (0.085%); highest among the groups gnomAD compares: African/African-American, 1.3%; 9 homozygotes.

Submissions (7):

Labcorp Genetics (formerly Invitae), Labcorp
Classification: Benign. Last evaluated: 2026-01-31. Review status: criteria provided, single submitter. Criteria: Invitae Variant Classification Sherloc (09022015). Collection method: clinical testing. Allele origin: germline.

Genomic Medicine Center of Excellence, King Faisal Specialist Hospital and Research Centre
Classification: Likely benign. Last evaluated: 2025-08-18. Review status: criteria provided, single submitter. Criteria: ACMG Guidelines, 2015. Collection method: clinical testing. Allele origin: germline.

Blueprint Genetics
Classification: Likely benign. Last evaluated: 2024-11-27. Review status: criteria provided, single submitter. Criteria: ACMG Guidelines, 2015. Collection method: clinical testing. Allele origin: germline.

Genome-Nilou Lab
Classification: Benign for Hereditary acrodermatitis enteropathica. Last evaluated: 2021-07-22. Review status: criteria provided, single submitter. Criteria: ACMG Guidelines, 2015. Collection method: clinical testing. Allele origin: germline. Affected: no.

Pars Genome Lab
Classification: Benign for Hereditary acrodermatitis enteropathica. Last evaluated: 2021-05-18. Review status: criteria provided, single submitter. Criteria: ACMG Guidelines, 2015. Collection method: clinical testing. Allele origin: germline. Affected: no.

Illumina Laboratory Services, Illumina
Classification: Benign for Hereditary acrodermatitis enteropathica. Last evaluated: 2018-01-12. Review status: criteria provided, single submitter. Criteria: ICSL Variant Classification Criteria 13 December 2019. Collection method: clinical testing. Allele origin: germline.
Comment: This variant was observed in the ICSL laboratory as part of a predisposition screen in an ostensibly healthy population. It had not been previously curated by ICSL or reported in the Human Gene Mutation Database (HGMD: prior to June 1st, 2018), and was therefore a candidate for classification through an automated scoring system. Utilizing variant allele frequency, disease prevalence and penetrance estimates, and inheritance mode, an automated score was calculated to assess if this variant is too frequent to cause the disease. Based on the score and internal cut-off values, a variant classified as benign is not then subjected to further curation. The score for this variant resulted in a classification of benign for this disease.

Natera, Inc.
Classification: Benign for Acrodermatitis enteropathica. Last evaluated: 2019-11-11. Review status: no assertion criteria provided. Collection method: clinical testing. Allele origin: germline. Not counted in ClinVar's aggregate classification.

NM_130849.4(SLC39A4):c.532A>T (p.Ser178Cys)

Gene: SLC39A4 (solute carrier family 39 member 4; minus strand). Cytogenetic location: 8q24.3.
Variant type: single nucleotide variant.
Coding change: c.532A>T on transcript NM_130849.4 (MANE Select); coding-DNA position 532, A replaced by T.
Protein change: p.Ser178Cys; replaces serine 178 with cysteine.
Molecular consequence: missense variant.
Genome position (GRCh38, 1-based): chr8:144,415,362, T>A on the plus strand (A>T on the coding strand, the complement: SLC39A4 is on the minus strand). VCF-style: chr8-144415362-T-A. GRCh37 (hg19) VCF-style: chr8-145640746-T-A.
Other names: c.457A>T, p.Ser153Cys (NM_017767.3); short protein forms S178C, S153C.
Identifiers: ClinVar variation 362256 (VCV000362256.21), dbSNP rs113717209, ClinGen allele CA4941654.
Genomic context (GRCh38, chr8:144,415,362, plus strand): 5'-CGTGGAAGCAAGACCCGCTCCTGACATGGTCCAGCAGGGCAGCCAGGACGCCGCCAGCAC[T>A]GCCCGGAGCCCCCGCCCCCACCGCCTCCTCCAGCAGCTGAGGGATATCTACGCAGGCCTG-3'
Protein context (NP_570901.3, residues 168-188): EEAVGAGAPG[Ser178Cys]AGGVLAALLD